The following is an entry in ClinVar:

ClinVar aggregate classification (germline): Uncertain significance. Review status: criteria provided, multiple submitters, no conflicts (2 of 4 stars). 2 submissions from 2 submitters: Uncertain significance (2). Last evaluated 2025-01-01.

Conditions:
Inborn genetic diseases. Identifiers: MedGen C0950123, MeSH D030342.

Allele frequency attached by ClinVar (database versions not stated): TOPMed 0.00003; gnomAD 0.00005; ExAC 0.00007.
gnomAD v4.1: 42 of 1,614,084 alleles (0.0026%); highest among the groups gnomAD compares: Middle Eastern, 0.016%; no homozygotes.

Submissions (2):

Ambry Genetics
Classification: Uncertain significance for Inborn genetic diseases. Last evaluated: 2025-01-01. Review status: criteria provided, single submitter. Criteria: Ambry Variant Classification Scheme 2023. Collection method: clinical testing. Allele origin: germline.

Labcorp Genetics (formerly Invitae), Labcorp
Classification: Uncertain significance. Last evaluated: 2023-12-21. Review status: criteria provided, single submitter. Criteria: Invitae Variant Classification Sherloc (09022015). Collection method: clinical testing. Allele origin: germline.
Comment: This sequence change replaces valine, which is neutral and non-polar, with methionine, which is neutral and non-polar, at codon 868 of the BMP1 protein (p.Val868Met). This variant is present in population databases (rs565676939, gnomAD 0.02%). This variant has not been reported in the literature in individuals affected with BMP1-related conditions. ClinVar contains an entry for this variant (Variation ID: 2199833). Advanced modeling of protein sequence and biophysical properties (such as structural, functional, and spatial information, amino acid conservation, physicochemical variation, residue mobility, and thermodynamic stability) performed at Invitae indicates that this missense variant is not expected to disrupt BMP1 protein function with a negative predictive value of 80%. In summary, the available evidence is currently insufficient to determine the role of this variant in disease. Therefore, it has been classified as a Variant of Uncertain Significance.

NM_006129.5(BMP1):c.2602G>A (p.Val868Met)

Gene: BMP1 (bone morphogenetic protein 1; plus strand). Cytogenetic location: 8p21.3.
Variant type: single nucleotide variant.
Coding change: c.2602G>A on transcript NM_006129.5 (MANE Select); coding-DNA position 2602, G replaced by A.
Protein change: p.Val868Met; replaces valine 868 with methionine.
Molecular consequence: missense variant. On other transcripts: non-coding transcript variant (1).
Genome position (GRCh38, 1-based): chr8:22,209,471, G>A. VCF-style: chr8-22209471-G-A. GRCh37 (hg19) VCF-style: chr8-22066984-G-A.
Other names: c.2602G>A (NM_006129.4); short protein forms V868M.
Identifiers: ClinVar variation 2199833 (VCV002199833.3), dbSNP rs565676939, ClinGen allele CA4665327.